The following is an entry in ClinVar:

ClinVar aggregate classification (germline): Likely benign. Review status: criteria provided, multiple submitters, no conflicts (2 of 4 stars). 2 submissions from 2 submitters: Likely benign (2). Last evaluated 2025-08-06.

Conditions:
Acrocallosal syndrome (ACLS). Also called: HALLUX DUPLICATION, POSTAXIAL POLYDACTYLY, AND ABSENCE OF CORPUS CALLOSUM; Schinzel syndrome 1; Absence of corpus callosum with unusual facial appearance, mental deficiency, duplication of the halluces and polydactyly. Identifiers: Orphanet 36, MedGen C0796147, MONDO:0008708, OMIM 200990.

Allele frequency attached by ClinVar (database versions not stated): gnomAD 0.00001; TOPMed 0.00001.
gnomAD v4.1: 14 of 1,583,346 alleles (0.00088%); highest among the groups gnomAD compares: African/African-American, 0.0027%; no homozygotes.

Submissions (2):

Labcorp Genetics (formerly Invitae), Labcorp
Classification: Likely benign for Acrocallosal syndrome. Last evaluated: 2025-08-06. Review status: criteria provided, single submitter. Criteria: Invitae Variant Classification Sherloc (09022015). Collection method: clinical testing. Allele origin: germline.

GeneDx
Classification: Likely benign. Last evaluated: 2018-04-05. Review status: criteria provided, single submitter. Criteria: GeneDx Variant Classification (06012015). Collection method: clinical testing. Allele origin: germline. Affected: yes.
Comment: This variant is considered likely benign or benign based on one or more of the following criteria: it is a conservative change, it occurs at a poorly conserved position in the protein, it is predicted to be benign by multiple in silico algorithms, and/or has population frequency not consistent with disease.

NM_198525.3(KIF7):c.3072C>T (p.Ile1024=)

Gene: KIF7 (kinesin family member 7; minus strand). Cytogenetic location: 15q26.1.
Variant type: single nucleotide variant.
Coding change: c.3072C>T on transcript NM_198525.3 (MANE Select); coding-DNA position 3072, C replaced by T.
Protein change: p.Ile1024=; no amino-acid change (isoleucine 1024 retained).
Molecular consequence: synonymous variant.
Genome position (GRCh38, 1-based): chr15:89,631,534, G>A on the plus strand (C>T on the coding strand, the complement: KIF7 is on the minus strand). VCF-style: chr15-89631534-G-A. GRCh37 (hg19) VCF-style: chr15-90174765-G-A.
Identifiers: ClinVar variation 681602 (VCV000681602.4), dbSNP rs1031833576, ClinGen allele CA274566331.